The following is an entry in ClinVar:

ClinVar aggregate classification (germline): Benign (1 of 4 stars; one submission).

Allele frequency attached by ClinVar (database versions not stated): gnomAD exomes 0.46170; 1000 Genomes Project 0.47344; 1000 Genomes Project 30x 0.47455; gnomAD 0.49577; TOPMed 0.49617.

Submission:

Unidad de Genómica Garrahan, Hospital de Pediatría Garrahan
Classification: Benign. Last evaluated: 2023-11-12. Review status: criteria provided, single submitter. Criteria: ACMG Guidelines, 2015. Collection method: clinical testing. Allele origin: germline. Affected: no. Observed: 51 variant alleles.
Comment: This variant is classified as Benign based on local population frequency. This variant was detected in 53% of patients studied by a panel of primary immunodeficiencies. Number of patients: 51. Only high quality variants are reported.

NM_001330588.2(TPP2):c.2021-86dup

Gene: TPP2 (tripeptidyl peptidase 2; plus strand). Cytogenetic location: 13q33.1.
Variant type: Duplication.
Coding change: c.2021-86dup on transcript NM_001330588.2 (MANE Select); 86 bases into the intron before coding-DNA position 2021, one base duplicated (T; older notation c.2021-86dupT).
Molecular consequence: intron variant.
Genome position (GRCh38, 1-based): chr13:102,643,136, T duplicated. VCF-style (leftmost placement, unchanged base first): chr13-102643135-A-AT. GRCh37 (hg19) VCF-style: chr13-103295485-A-AT.
Other names: c.2021-86dup (NM_001367947.1, NM_003291.4).
Identifiers: ClinVar variation 2628165 (VCV002628165.2), dbSNP rs3831118, ClinGen allele CA255163918.